The following is an entry in ClinVar:

NM_004006.3(DMD):c.2114C>T (p.Pro705Leu)

Gene: DMD (dystrophin; minus strand). Cytogenetic location: Xp21.1.
Variant type: single nucleotide variant.
Coding change: c.2114C>T on transcript NM_004006.3 (MANE Select); coding-DNA position 2114, C replaced by T.
Protein change: p.Pro705Leu; replaces proline 705 with leucine.
Molecular consequence: missense variant.
Genome position (GRCh38, 1-based): chrX:32,545,213, G>A on the plus strand (C>T on the coding strand, the complement: DMD is on the minus strand). VCF-style: chrX-32545213-G-A. GRCh37 (hg19) VCF-style: chrX-32563330-G-A.
Other names: c.2090C>T, p.Pro697Leu (NM_000109.4); c.2102C>T, p.Pro701Leu (NM_004009.3); c.1745C>T, p.Pro582Leu (NM_004010.3); short protein forms P701L, P582L, P705L, P697L.
Identifiers: ClinVar variation 4842488 (VCV004842488.1).

ClinVar aggregate classification (germline): Uncertain significance (1 of 4 stars; one submission).

Conditions:
Cardiovascular phenotype. Identifiers: MedGen CN230736.

gnomAD v4.1: 1 of 1,210,668 alleles (0.000083%); highest among the groups gnomAD compares: East Asian, 0.003%; no homozygotes.

Submission:

Ambry Genetics
Classification: Uncertain significance for Cardiovascular phenotype. Last evaluated: 2026-02-19. Review status: criteria provided, single submitter. Criteria: Ambry Variant Classification Scheme 2023. Collection method: clinical testing. Allele origin: germline.
Comment: The p.P705L variant (also known as c.2114C>T), located in coding exon 17 of the DMD gene, results from a C to T substitution at nucleotide position 2114. The proline at codon 705 is replaced by leucine, an amino acid with similar properties. This amino acid position is conserved. In addition, the in silico prediction for this alteration is inconclusive. Based on the available evidence, the clinical significance of this variant remains unclear.